The following is an entry in ClinVar:

ClinVar aggregate classification (germline): Uncertain significance (1 of 4 stars; one submission).

Allele frequency attached by ClinVar (database versions not stated): TOPMed below 0.00001; gnomAD 0.00001.
gnomAD v4.1: 4 of 1,613,142 alleles (0.00025%); highest among the groups gnomAD compares: Non-Finnish European, 0.00034%; no homozygotes.

Submission:

Labcorp Genetics (formerly Invitae), Labcorp
Classification: Uncertain significance. Last evaluated: 2021-11-13. Review status: criteria provided, single submitter. Criteria: Invitae Variant Classification Sherloc (09022015). Collection method: clinical testing. Allele origin: germline.
Comment: In summary, the available evidence is currently insufficient to determine the role of this variant in disease. Therefore, it has been classified as a Variant of Uncertain Significance. Algorithms developed to predict the effect of missense changes on protein structure and function are either unavailable or do not agree on the potential impact of this missense change (SIFT: "Tolerated"; PolyPhen-2: "Probably Damaging"; Align-GVGD: "Class C0"). This variant has not been reported in the literature in individuals affected with MTPAP-related conditions. This variant is not present in population databases (gnomAD no frequency). This sequence change replaces leucine, which is neutral and non-polar, with valine, which is neutral and non-polar, at codon 193 of the MTPAP protein (p.Leu193Val).

NM_018109.4(MTPAP):c.577C>G (p.Leu193Val)

Gene: MTPAP (mitochondrial poly(A) polymerase; minus strand). Cytogenetic location: 10p11.23.
Variant type: single nucleotide variant.
Coding change: c.577C>G on transcript NM_018109.4 (MANE Select); coding-DNA position 577, C replaced by G.
Protein change: p.Leu193Val; replaces leucine 193 with valine.
Molecular consequence: missense variant.
Genome position (GRCh38, 1-based): chr10:30,337,006, G>C on the plus strand (C>G on the coding strand, the complement: MTPAP is on the minus strand). VCF-style: chr10-30337006-G-C. GRCh37 (hg19) VCF-style: chr10-30625935-G-C.
Other names: short protein forms L193V.
Identifiers: ClinVar variation 1352459 (VCV001352459.6), dbSNP rs1325684151, ClinGen allele CA376426559.